The following is an entry in ClinVar:

ClinVar aggregate classification (germline): Conflicting classifications of pathogenicity. Review status: criteria provided, conflicting classifications (1 of 4 stars). 2 submissions from 2 submitters: Uncertain significance (1); Likely benign (1). Last evaluated 2024-12-16.

Conditions:
Inborn genetic diseases. Identifiers: MedGen C0950123, MeSH D030342.
Acute myeloid leukemia (AML). Also called: Leukemia, acute myeloid, somatic; Leukemia, acute myelogenous, somatic; Acute myeloid leukemia, adult; AML adult; Acute non-lymphocytic leukemia; Acute granulocytic leukemia. Identifiers: Orphanet 519, MedGen C0023467, MeSH D015470, MONDO:0018874, OMIM 601626, HP:0004808. Disease mechanism: Constitutively activated FLT3.

Submissions (2):

Ambry Genetics
Classification: Likely benign for Inborn genetic diseases. Last evaluated: 2024-12-16. Review status: criteria provided, single submitter. Criteria: Ambry Variant Classification Scheme 2023. Collection method: clinical testing. Allele origin: germline.

Labcorp Genetics (formerly Invitae), Labcorp
Classification: Uncertain significance for Acute myeloid leukemia. Last evaluated: 2024-05-02. Review status: criteria provided, single submitter. Criteria: Invitae Variant Classification Sherloc (09022015). Collection method: clinical testing. Allele origin: germline.
Comment: This variant, c.561_566del, results in the deletion of 2 amino acid(s) of the CEBPA protein (p.Pro188_Pro189del), but otherwise preserves the integrity of the reading frame. The frequency data for this variant in the population databases is considered unreliable, as metrics indicate poor data quality at this position in the gnomAD database. This variant has not been reported in the literature in individuals affected with CEBPA-related conditions. ClinVar contains an entry for this variant (Variation ID: 456694). Experimental studies and prediction algorithms are not available or were not evaluated, and the functional significance of this variant is currently unknown. In summary, the available evidence is currently insufficient to determine the role of this variant in disease. Therefore, it has been classified as a Variant of Uncertain Significance.

NM_004364.5(CEBPA):c.546GCC[5] (p.Pro188_Pro189del)

Gene: CEBPA (CCAAT enhancer binding protein alpha; minus strand). Cytogenetic location: 19q13.11.
Variant type: Microsatellite.
Coding change: c.546GCC[5] on transcript NM_004364.5 (MANE Select); five copies in a row of the 3-base unit GCC starting at c.546; the reference has seven copies in a row; two copies, 6 bases deleted.
Protein change: p.Pro188_Pro189del.
Molecular consequence: inframe deletion.
Genome position (GRCh38, 1-based): chr19:33,301,849-33,301,854, GGCGGC deleted on the plus strand (GCCGCC on the coding strand, the reverse complement: CEBPA is on the minus strand); deleting any 6 consecutive bases within chr19:33,301,849-33,301,869 gives the same sequence; the position shown is the placement nearest the transcript's 3' end. VCF-style (leftmost placement, unchanged base first): chr19-33301848-GGGCGGC-G. GRCh37 (hg19) VCF-style: chr19-33792754-GGGCGGC-G.
Other names: c.189GCC[5], p.Pro69_Pro70del (NM_001285829.2); c.561_566delGCCGCC (NM_004364.3, NM_004364.4); c.651GCC[5], p.Pro223_Pro224del (NM_001287424.2); c.504GCC[5], p.Pro174_Pro175del (NM_001287435.2).
Identifiers: ClinVar variation 456694 (VCV000456694.11), dbSNP rs746430067, ClinGen allele CA633069979.
Genomic context (GRCh38, chr19:33,301,848, plus strand): 5'-CTGGAACTGCAGGTGCGGGGCGGCCAGGTGCGCGGGCGGCGGGTGCGGGTGCGGGTGCGA[GGGCGGC>G]GGCGGCGGCGGCGGCTGGTAAGGGAAGAGGCCGGCCAGCGCCAGCTGCTTGGCTTCATCC-3'